The following is an entry in ClinVar:

NM_024675.4(PALB2):c.1278G>T (p.Glu426Asp)

Gene: PALB2 (partner and localizer of BRCA2; minus strand). Cytogenetic location: 16p12.2.
Variant type: single nucleotide variant.
Coding change: c.1278G>T on transcript NM_024675.4 (MANE Select); coding-DNA position 1278, G replaced by T.
Protein change: p.Glu426Asp; replaces glutamic acid 426 with aspartic acid.
Molecular consequence: missense variant.
Genome position (GRCh38, 1-based): chr16:23,635,268, C>A on the plus strand (G>T on the coding strand, the complement: PALB2 is on the minus strand). VCF-style: chr16-23635268-C-A. GRCh37 (hg19) VCF-style: chr16-23646589-C-A.
Other names: c.1218G>T, p.Glu406Asp (NM_001407296.1); c.1278G>T, p.Glu426Asp (NM_001407297.1, NM_001407298.1, NM_001407299.1 and 3 more transcripts); c.393G>T, p.Glu131Asp (NM_001407304.1, NM_001407305.1, NM_001407306.1 and 5 more transcripts); short protein forms E131D, E406D, E426D.
Identifiers: ClinVar variation 1767170 (VCV001767170.2), dbSNP rs1555461362, ClinGen allele CA395132598.

ClinVar aggregate classification (germline): Uncertain significance (1 of 4 stars; one submission).

Conditions:
Hereditary cancer-predisposing syndrome. Also called: Hereditary Cancer Syndrome; Hereditary neoplastic syndrome; Neoplastic Syndromes, Hereditary; Tumor predisposition. Identifiers: Orphanet 140162, MedGen C0027672, MeSH D009386, MONDO:0015356.

Submission:

Ambry Genetics
Classification: Uncertain significance for Hereditary cancer-predisposing syndrome. Last evaluated: 2019-09-17. Review status: criteria provided, single submitter. Criteria: Ambry Variant Classification Scheme 2023. Collection method: clinical testing. Allele origin: germline.
Comment: The p.E426D variant (also known as c.1278G>T), located in coding exon 4 of the PALB2 gene, results from a G to T substitution at nucleotide position 1278. The glutamic acid at codon 426 is replaced by aspartic acid, an amino acid with highly similar properties. This amino acid position is well conserved in available vertebrate species. In addition, this alteration is predicted to be tolerated by in silico analysis. Since supporting evidence is limited at this time, the clinical significance of this alteration remains unclear.